The following is an entry in ClinVar:

ClinVar aggregate classification (germline): Pathogenic (1 of 4 stars; one submission).

Conditions:
Hereditary spastic paraplegia 11. Also called: SPASTIC PARAPLEGIA, AUTOSOMAL RECESSIVE, COMPLICATED, WITH THIN CORPUS CALLOSUM; SPASTIC PARAPLEGIA, AUTOSOMAL RECESSIVE, WITH MENTAL IMPAIRMENT AND THIN CORPUS CALLOSUM; Nakamura Osame syndrome; Autosomal recessive hereditary spastic paraplegia, mental impairment, and thin corpus callosum; Spastic paraplegia, mental retardation and thin corpus callosum; Spastic Paraplegia 11. Identifiers: Orphanet 2822, MedGen C1858479, MONDO:0011445, OMIM 604360.

Submission:

Labcorp Genetics (formerly Invitae), Labcorp
Classification: Pathogenic for Hereditary spastic paraplegia 11. Last evaluated: 2023-03-09. Review status: criteria provided, single submitter. Criteria: Invitae Variant Classification Sherloc (09022015). Collection method: clinical testing. Allele origin: germline.
Comment: ClinVar contains an entry for this variant (Variation ID: 466564). This sequence change creates a premature translational stop signal (p.Ile2246Metfs*16) in the SPG11 gene. It is expected to result in an absent or disrupted protein product. Loss-of-function variants in SPG11 are known to be pathogenic (PMID: 19105190, 20110243, 22154821, 26556829). This variant is not present in population databases (gnomAD no frequency). This variant has not been reported in the literature in individuals affected with SPG11-related conditions. For these reasons, this variant has been classified as Pathogenic.

Literature cited by the submitters: PubMed 19105190; PubMed 20110243; PubMed 22154821; PubMed 26556829.

NM_025137.4(SPG11):c.6738del (p.Ile2246fs)

Gene: SPG11 (SPG11 vesicle trafficking associated, spatacsin; minus strand). Cytogenetic location: 15q21.1.
Variant type: Deletion.
Coding change: c.6738del on transcript NM_025137.4 (MANE Select); coding-DNA position 6738, one base deleted (T; older notation c.6738delT).
Protein change: p.Ile2246fs; shifts the reading frame from isoleucine 2246.
Molecular consequence: frameshift variant.
Genome position (GRCh38, 1-based): chr15:44,567,440, A deleted on the plus strand (T on the coding strand, the reverse complement: SPG11 is on the minus strand); the first of 2 consecutive A bases (chr15:44,567,440-44,567,441); deleting either gives the same sequence. VCF-style (leftmost placement, unchanged base first): chr15-44567439-CA-C. GRCh37 (hg19) VCF-style: chr15-44859637-CA-C.
Other names: c.6399del, p.Ile2133fs (NM_001160227.2); short protein forms I2246fs, I2133fs.
Identifiers: ClinVar variation 466564 (VCV000466564.6), dbSNP rs1555446712, ClinGen allele CA658658290.